The following is an entry in ClinVar:

NM_203446.3(SYNJ1):c.1291G>A (p.Val431Met)

Gene: SYNJ1 (synaptojanin 1; minus strand). Cytogenetic location: 21q22.11.
Variant type: single nucleotide variant.
Coding change: c.1291G>A on transcript NM_203446.3 (MANE Select); coding-DNA position 1291, G replaced by A.
Protein change: p.Val431Met; replaces valine 431 with methionine.
Molecular consequence: missense variant.
Genome position (GRCh38, 1-based): chr21:32,681,558, C>T on the plus strand (G>A on the coding strand, the complement: SYNJ1 is on the minus strand). VCF-style: chr21-32681558-C-T. GRCh37 (hg19) VCF-style: chr21-34053868-C-T.
Other names: p.Val470Met; c.1291G>A, p.Val431Met (NM_001160302.2, NM_001160306.2); c.1408G>A, p.Val470Met (NM_003895.4); short protein forms V431M, V470M.
Identifiers: ClinVar variation 646642 (VCV000646642.9), dbSNP rs749980859, ClinGen allele CA10003928.

ClinVar aggregate classification (germline): Uncertain significance. Review status: criteria provided, multiple submitters, no conflicts (2 of 4 stars). 3 submissions from 3 submitters: Uncertain significance (3). Last evaluated 2025-03-15.

Conditions:
Inborn genetic diseases. Identifiers: MedGen C0950123, MeSH D030342.
Developmental and epileptic encephalopathy, 53. Also called: Epileptic encephalopathy, early infantile, 53. Identifiers: MedGen C4479313, MONDO:0033362, OMIM 617389.
Early-onset Parkinson disease 20. Also called: PARKINSON DISEASE 20, AUTOSOMAL RECESSIVE EARLY-ONSET. Identifiers: Orphanet 391411, MedGen C3809824, MONDO:0014233, OMIM 615530.

Allele frequency attached by ClinVar (database versions not stated): ExAC 0.00001; gnomAD 0.00001; gnomAD exomes 0.00001; TOPMed 0.00001.
gnomAD v4.1: 10 of 1,613,722 alleles (0.00062%); highest among the groups gnomAD compares: South Asian, 0.0011%; no homozygotes.

Submissions (3):

Ambry Genetics
Classification: Uncertain significance for Inborn genetic diseases. Last evaluated: 2025-03-15. Review status: criteria provided, single submitter. Criteria: Ambry Variant Classification Scheme 2023. Collection method: clinical testing. Allele origin: germline.

Mayo Clinic Laboratories, Mayo Clinic
Classification: Uncertain significance. Last evaluated: 2024-12-23. Review status: criteria provided, single submitter. Criteria: ACMG Guidelines, 2015. Collection method: clinical testing. Allele origin: germline. Observed: 1 variant allele.
Comment: BP4_strong, PM2_supporting

Labcorp Genetics (formerly Invitae), Labcorp
Classification: Uncertain significance for Developmental and epileptic encephalopathy, 53; Early-onset Parkinson disease 20. Last evaluated: 2022-04-25. Review status: criteria provided, single submitter. Criteria: Invitae Variant Classification Sherloc (09022015). Collection method: clinical testing. Allele origin: germline.
Comment: This sequence change replaces valine, which is neutral and non-polar, with methionine, which is neutral and non-polar, at codon 470 of the SYNJ1 protein (p.Val470Met). This variant is present in population databases (rs749980859, gnomAD 0.003%). This variant has not been reported in the literature in individuals affected with SYNJ1-related conditions. ClinVar contains an entry for this variant (Variation ID: 646642). Algorithms developed to predict the effect of missense changes on protein structure and function output the following: SIFT: "Tolerated"; PolyPhen-2: "Benign"; Align-GVGD: "Class C0". The methionine amino acid residue is found in multiple mammalian species, which suggests that this missense change does not adversely affect protein function. In summary, the available evidence is currently insufficient to determine the role of this variant in disease. Therefore, it has been classified as a Variant of Uncertain Significance.